The following is an entry in ClinVar:

ClinVar aggregate classification (germline): Pathogenic (1 of 4 stars; one submission).

Conditions:
Methylmalonic aciduria, cblA type (MACA). Also called: Methylmalonic aciduria, vitamin b12-responsive, due to defect in synthesis of adenosylcobalamin, cbla complementation type; MMA cbl A type; Methylmalonic acidemia cblA type; Methylmalonic aciduria, vitamin B12-responsive; Vitamin B12-responsive methylmalonic acidemia type cblA. Identifiers: Orphanet 28, Orphanet 79310, MedGen C1855109, MONDO:0009613, OMIM 251100.

Submission:

Labcorp Genetics (formerly Invitae), Labcorp
Classification: Pathogenic for Methylmalonic aciduria, cblA type. Last evaluated: 2021-07-31. Review status: criteria provided, single submitter. Criteria: Invitae Variant Classification Sherloc (09022015). Collection method: clinical testing. Allele origin: germline.
Comment: This variant is a gross deletion of the genomic region encompassing exon(s) 6-7 of the MMAA gene. The 5' boundary is likely confined to intron 5. The 3' end of this event is unknown as it extends through the termination codon beyond the assayed region for this gene and may encompass additional genes. While this deletion is not anticipated to lead to nonsense mediated decay, it is expected to alter mRNA translation or result in a truncated protein product. This variant has not been reported in the literature in individuals affected with MMAA-related conditions. This variant disrupts a region of the MMAA protein in which other variant(s) (p.Gln362* ) have been determined to be pathogenic (PMID: 23026888). This suggests that this is a clinically significant region of the protein, and that variants that disrupt it are likely to be disease-causing. For these reasons, this variant has been classified as Pathogenic.

Literature cited by the submitters: PubMed 23026888.

NC_000004.11:g.(?_146575136)_(146576596_?)del

Gene: MMAA (metabolism of cobalamin associated A; plus strand). Cytogenetic location: 4q31.21.
Variant type: Deletion.
Identifiers: ClinVar variation 1459643 (VCV001459643.3).